The following is an entry in ClinVar:

NM_000283.4(PDE6B):c.1117del (p.Leu373fs)

Gene: PDE6B (phosphodiesterase 6B; plus strand). Cytogenetic location: 4p16.3.
Variant type: Deletion.
Coding change: c.1117del on transcript NM_000283.4 (MANE Select); coding-DNA position 1117, one base deleted (C; older notation c.1117delC).
Protein change: p.Leu373fs; shifts the reading frame from leucine 373.
Molecular consequence: frameshift variant. On other transcripts: 5 prime UTR variant (1).
Genome position (GRCh38, 1-based): chr4:656,883, C deleted; the last of 3 consecutive C bases (chr4:656,881-656,883); deleting any one gives the same sequence. VCF-style (leftmost placement, unchanged base first): chr4-656880-GC-G. GRCh37 (hg19) VCF-style: chr4-650669-GC-G.
Other names: c.280del, p.Leu94fs (NM_001145292.2, NM_001350154.3, NM_001379246.1 and 1 more transcripts); c.-39del (NM_001350155.3); c.1117del, p.Leu373fs (NM_001145291.2); short protein forms L373fs, L94fs.
Identifiers: ClinVar variation 3698980 (VCV003698980.2).

ClinVar aggregate classification (germline): Pathogenic (1 of 4 stars; one submission).

Submission:

Labcorp Genetics (formerly Invitae), Labcorp
Classification: Pathogenic. Last evaluated: 2024-05-06. Review status: criteria provided, single submitter. Criteria: Invitae Variant Classification Sherloc (09022015). Collection method: clinical testing. Allele origin: germline.
Comment: This sequence change creates a premature translational stop signal (p.Leu373Trpfs*49) in the PDE6B gene. It is expected to result in an absent or disrupted protein product. Loss-of-function variants in PDE6B are known to be pathogenic (PMID: 8394174, 8595886, 22334370). This variant is not present in population databases (gnomAD no frequency). This variant has not been reported in the literature in individuals affected with PDE6B-related conditions. For these reasons, this variant has been classified as Pathogenic.

Literature cited by the submitters: PubMed 8394174; PubMed 8595886; PubMed 22334370.